The following is an entry in ClinVar:

NM_012330.4(KAT6B):c.6068T>G (p.Met2023Arg)

Gene: KAT6B (lysine acetyltransferase 6B; plus strand). Cytogenetic location: 10q22.2.
Variant type: single nucleotide variant.
Coding change: c.6068T>G on transcript NM_012330.4 (MANE Select); coding-DNA position 6068, T replaced by G.
Protein change: p.Met2023Arg; replaces methionine 2023 with arginine.
Molecular consequence: missense variant.
Genome position (GRCh38, 1-based): chr10:75,030,892, T>G. VCF-style: chr10-75030892-T-G. GRCh37 (hg19) VCF-style: chr10-76790650-T-G.
Other names: c.5519T>G, p.Met1840Arg (NM_001256468.2, NM_001370138.1); c.5192T>G, p.Met1731Arg (NM_001256469.2, NM_001370139.1, NM_001370140.1 and 2 more transcripts); c.5030T>G, p.Met1677Arg (NM_001370132.1); c.4379T>G, p.Met1460Arg (NM_001370133.1); c.3983T>G, p.Met1328Arg (NM_001370134.1); c.3725T>G, p.Met1242Arg (NM_001370135.1); c.6068T>G, p.Met2023Arg (NM_001370136.1, NM_001370137.1); c.5003T>G, p.Met1668Arg (NM_001370143.1, NM_001370144.1); short protein forms M1328R, M1677R, M2023R, M1242R, M1731R, M1460R, M1668R, M1840R.
Identifiers: ClinVar variation 4725152 (VCV004725152.1).
Genomic context (GRCh38, chr10:75,030,892, plus strand): 5'-ACAGTGGCTACCACAGCAATCATGGCTATATGAATCAAACGCCCCAATACCCTATGCAGA[T>G]GCAGATGGGCATGATGGGCACCCAGCCATATGCCCAGCAGCCAATGCAGACCCCACCCCA-3'
Protein context (NP_036462.2, residues 2013-2033): MNQTPQYPMQ[Met2023Arg]QMGMMGTQPY

ClinVar aggregate classification (germline): Uncertain significance (1 of 4 stars; one submission).

Conditions:
Genitopatellar syndrome (GTPTS). Also called: ABSENT PATELLAE, SCROTAL HYPOPLASIA, RENAL ANOMALIES, FACIAL DYSMORPHISM, AND MENTAL RETARDATION; Genitopatellar syndrome (GPS). Identifiers: Orphanet 85201, MedGen C1853566, MONDO:0011640, OMIM 606170.

Submission:

Labcorp Genetics (formerly Invitae), Labcorp
Classification: Uncertain significance for Genitopatellar syndrome. Last evaluated: 2025-08-10. Review status: criteria provided, single submitter. Criteria: Invitae Variant Classification Sherloc (09022015). Collection method: clinical testing. Allele origin: germline.
Comment: This sequence change replaces methionine, which is neutral and non-polar, with arginine, which is basic and polar, at codon 2023 of the KAT6B protein (p.Met2023Arg). This variant is not present in population databases (gnomAD no frequency). This variant has not been reported in the literature in individuals affected with KAT6B-related conditions. An algorithm developed to predict the effect of missense changes on protein structure and function (PolyPhen-2) suggests that this variant is likely to be disruptive. In summary, the available evidence is currently insufficient to determine the role of this variant in disease. Therefore, it has been classified as a Variant of Uncertain Significance.